The following is an entry in ClinVar:

ClinVar aggregate classification (germline): Likely benign. Review status: criteria provided, multiple submitters, no conflicts (2 of 4 stars). 4 submissions from 4 submitters: Likely benign (3). 1 of the submissions does not count toward it. Last evaluated 2025-10-10.

Conditions:
Periventricular nodular heterotopia 7 (PVNH7). Identifiers: MedGen C4310669, MONDO:0014966, OMIM 617201.
NEDD4L-related disorder. Also called: NEDD4L-related condition.

Allele frequency attached by ClinVar (database versions not stated): TOPMed 0.00009; ESP Exome Variant Server 0.00016; ExAC 0.00017; gnomAD exomes 0.00022 and 0.00027; gnomAD 0.00024 and 0.00026.
gnomAD v4.1: 357 of 1,610,960 alleles (0.022%); highest among the groups gnomAD compares: Non-Finnish European, 0.02%; 1 homozygote.

Submissions (4):

Labcorp Genetics (formerly Invitae), Labcorp
Classification: Likely benign. Last evaluated: 2025-10-10. Review status: criteria provided, single submitter. Criteria: Invitae Variant Classification Sherloc (09022015). Collection method: clinical testing. Allele origin: germline.

CeGaT Center for Human Genetics Tuebingen
Classification: Likely benign. Last evaluated: 2025-03-01. Review status: criteria provided, single submitter. Criteria: CeGaT Center For Human Genetics Tuebingen Variant Classification Criteria Version 2. Collection method: clinical testing. Allele origin: germline. Affected: yes. Observed: 1 variant allele.
Comment: NEDD4L: BP4, BS2

Fulgent Genetics
Classification: Likely benign for Periventricular nodular heterotopia 7. Last evaluated: 2021-11-19. Review status: criteria provided, single submitter. Criteria: ACMG Guidelines, 2015. Collection method: clinical testing. Allele origin: unknown.

PreventionGenetics, part of Exact Sciences
Classification: Likely benign for NEDD4L-related condition. Last evaluated: 2021-02-18. Review status: no assertion criteria provided. Collection method: clinical testing. Allele origin: germline. Not counted in ClinVar's aggregate classification.
Comment: This variant is classified as likely benign based on ACMG/AMP sequence variant interpretation guidelines (Richards et al. 2015 PMID: 25741868, with internal and published modifications).

NM_001144967.3(NEDD4L):c.1403G>A (p.Arg468Gln)

Gene: NEDD4L (NEDD4 like E3 ubiquitin protein ligase; plus strand). Cytogenetic location: 18q21.31.
Variant type: single nucleotide variant.
Coding change: c.1403G>A on transcript NM_001144967.3 (MANE Select); coding-DNA position 1403, G replaced by A.
Protein change: p.Arg468Gln; replaces arginine 468 with glutamine.
Molecular consequence: missense variant.
Genome position (GRCh38, 1-based): chr18:58,342,931, G>A. VCF-style: chr18-58342931-G-A. GRCh37 (hg19) VCF-style: chr18-56010163-G-A.
Other names: c.1040G>A, p.Arg347Gln (NM_001144964.1, NM_001144965.2, NM_001144966.3); c.1379G>A, p.Arg460Gln (NM_001144968.2); c.1319G>A, p.Arg440Gln (NM_001144969.2); c.980G>A, p.Arg327Gln (NM_001144970.3, NM_001144971.2); c.1211G>A, p.Arg404Gln (NM_001243960.2); c.1343G>A, p.Arg448Gln (NM_015277.6); short protein forms R440Q, R460Q, R347Q, R404Q, R468Q, R327Q, R448Q.
Identifiers: ClinVar variation 697804 (VCV000697804.20), dbSNP rs200221331, ClinGen allele CA8975693.